The following is an entry in ClinVar:

ClinVar aggregate classification (germline): Uncertain significance (1 of 4 stars; one submission).

Conditions:
Familial focal epilepsy with variable foci (FPEVF). Identifiers: Orphanet 98820, MedGen C1858477, MONDO:0020310.

Submission:

Labcorp Genetics (formerly Invitae), Labcorp
Classification: Uncertain significance for Familial focal epilepsy with variable foci. Last evaluated: 2019-11-16. Review status: criteria provided, single submitter. Criteria: Invitae Variant Classification Sherloc (09022015). Collection method: clinical testing. Allele origin: germline.
Comment: This variant is not present in population databases (ExAC no frequency). This sequence change replaces phenylalanine with tyrosine at codon 1330 of the DEPDC5 protein (p.Phe1330Tyr). The phenylalanine residue is highly conserved and there is a small physicochemical difference between phenylalanine and tyrosine. This variant has not been reported in the literature in individuals with DEPDC5-related conditions. In summary, the available evidence is currently insufficient to determine the role of this variant in disease. Therefore, it has been classified as a Variant of Uncertain Significance. Algorithms developed to predict the effect of missense changes on protein structure and function are either unavailable or do not agree on the potential impact of this missense change (SIFT: "Deleterious"; PolyPhen-2: "Not Available"; Align-GVGD: "Class C15").

NM_001242896.3(DEPDC5):c.3989T>A (p.Phe1330Tyr)

Gene: DEPDC5 (DEP domain containing 5, GATOR1 subcomplex subunit; plus strand). Cytogenetic location: 22q12.3.
Variant type: single nucleotide variant.
Coding change: c.3989T>A on transcript NM_001242896.3 (MANE Select); coding-DNA position 3989, T replaced by A.
Protein change: p.Phe1330Tyr; replaces phenylalanine 1330 with tyrosine.
Molecular consequence: missense variant. On other transcripts: non-coding transcript variant (5).
Genome position (GRCh38, 1-based): chr22:31,879,708, T>A. VCF-style: chr22-31879708-T-A. GRCh37 (hg19) VCF-style: chr22-32275694-T-A.
Other names: c.3962T>A, p.Phe1321Tyr (NM_001136029.4); c.3689T>A, p.Phe1230Tyr (NM_001242897.2); c.3923T>A, p.Phe1308Tyr (NM_001363852.2, NM_001364320.2); c.3755T>A, p.Phe1252Tyr (NM_001363854.2, NM_001364319.2); c.3989T>A, p.Phe1330Tyr (NM_001364318.2); c.3905T>A, p.Phe1302Tyr (NM_001369901.1, NM_001369902.1); c.3896T>A, p.Phe1299Tyr (NM_001369903.1, NM_014662.6); short protein forms F1330Y, F1302Y, F1308Y, F1230Y, F1299Y, F1321Y, F1252Y.
Identifiers: ClinVar variation 966125 (VCV000966125.9), dbSNP rs2093123100, ClinGen allele CA411282842.
Genomic context (GRCh38, chr22:31,879,708, plus strand): 5'-CCTTTCTCCTGCCCTGGCTGCCTAGCCGGCCAGCCTCCTATGCAAGTAGGCACAGCTCCT[T>A]TAGCCGAAGTTTTGGAGGACGGAGCCAGGCGGCAGCACTTTTAGGTACATGCTCAACCCA-3'
Protein context (NP_001229825.1, residues 1320-1340): PASYASRHSS[Phe1330Tyr]SRSFGGRSQA